The following is an entry in ClinVar:

NM_005199.5(CHRNG):c.743T>A (p.Ile248Asn)

Gene: CHRNG (cholinergic receptor nicotinic gamma subunit; plus strand). Cytogenetic location: 2q37.1.
Variant type: single nucleotide variant.
Coding change: c.743T>A on transcript NM_005199.5 (MANE Select); coding-DNA position 743, T replaced by A.
Protein change: p.Ile248Asn; replaces isoleucine 248 with asparagine.
Molecular consequence: missense variant.
Genome position (GRCh38, 1-based): chr2:232,543,020, T>A. VCF-style: chr2-232543020-T-A. GRCh37 (hg19) VCF-style: chr2-233407730-T-A.
Other names: short protein forms I248N.
Identifiers: ClinVar variation 5006249 (VCV005006249.2).
Genomic context (GRCh38, chr2:232,543,020, plus strand): 5'-ACCAGAAGGTGGTGTTCTACCTGCTCATCCAGCGCAAGCCCCTCTTCTACGTCATCAACA[T>A]CATCGCCCCCTGTGTGCTCATCTCCTCTGTCGCCATCCTCATCCACTTCCTTCCTGCCAA-3'
Protein context (NP_005190.4, residues 238-258): QRKPLFYVIN[Ile248Asn]IAPCVLISSV

ClinVar aggregate classification (germline): Uncertain significance (1 of 4 stars; one submission).

Conditions:
Autosomal recessive multiple pterygium syndrome. Also called: MULTIPLE PTERYGIUM SYNDROME, ESCOBAR VARIANT; PTERYGIUM COLLI SYNDROME; PTERYGIUM SYNDROME; PTERYGIUM UNIVERSALE. Identifiers: Orphanet 2990, MedGen C0265261, MONDO:0009926, OMIM 265000.
Lethal multiple pterygium syndrome (LMPS). Identifiers: Orphanet 33108, MedGen C1854678, MONDO:0009668, OMIM 253290.

Submission:

Juno Genomics, Hangzhou Juno Genomics, Inc
Classification: Uncertain significance for Autosomal recessive multiple pterygium syndrome; Lethal multiple pterygium syndrome. Review status: criteria provided, single submitter. Criteria: ACMG Guidelines, 2015. Collection method: clinical testing. Allele origin: germline.
Comment: Absent from controls (or at extremely low frequency if recessive) in Genome Aggregation Database.;Multiple lines of computational evidence support a deleterious effect on the gene or gene product.